The following is an entry in ClinVar:

ClinVar aggregate classification (germline): Uncertain significance. Review status: criteria provided, multiple submitters, no conflicts (2 of 4 stars). 4 submissions from 4 submitters: Uncertain significance (4). Last evaluated 2025-02-12.

Conditions:
Hereditary nonpolyposis colorectal neoplasms. Identifiers: MedGen C0009405, MeSH D003123.
Hereditary cancer-predisposing syndrome. Also called: Hereditary Cancer Syndrome; Neoplastic Syndromes, Hereditary; Tumor predisposition; Hereditary neoplastic syndrome. Identifiers: Orphanet 140162, MedGen C0027672, MeSH D009386, MONDO:0015356.
Endometrial carcinoma. Also called: Endometrial carcinoma, somatic. Identifiers: MedGen C0476089, MONDO:0002447, OMIM 608089, HP:0012114.

Submissions (4):

Ambry Genetics
Classification: Uncertain significance for Hereditary cancer-predisposing syndrome. Last evaluated: 2025-02-12. Review status: criteria provided, single submitter. Criteria: Ambry Variant Classification Scheme 2023. Collection method: clinical testing. Allele origin: germline.
Comment: The p.F596Y variant (also known as c.1787T>A), located in coding exon 4 of the MSH6 gene, results from a T to A substitution at nucleotide position 1787. The phenylalanine at codon 596 is replaced by tyrosine, an amino acid with highly similar properties. This amino acid position is highly conserved in available vertebrate species. In addition, the in silico prediction for this alteration is inconclusive. Based on the available evidence, the clinical significance of this variant remains unclear.

Baylor Genetics
Classification: Uncertain significance for Endometrial carcinoma. Last evaluated: 2024-02-09. Review status: criteria provided, single submitter. Criteria: ACMG Guidelines, 2015. Collection method: clinical testing. Allele origin: unknown.

Labcorp Genetics (formerly Invitae), Labcorp
Classification: Uncertain significance for Hereditary nonpolyposis colorectal neoplasms. Last evaluated: 2022-08-29. Review status: criteria provided, single submitter. Criteria: Invitae Variant Classification Sherloc (09022015). Collection method: clinical testing. Allele origin: germline.
Comment: In summary, the available evidence is currently insufficient to determine the role of this variant in disease. Therefore, it has been classified as a Variant of Uncertain Significance. Advanced modeling of protein sequence and biophysical properties (such as structural, functional, and spatial information, amino acid conservation, physicochemical variation, residue mobility, and thermodynamic stability) performed at Invitae indicates that this missense variant is not expected to disrupt MSH6 protein function. ClinVar contains an entry for this variant (Variation ID: 479879). This variant has not been reported in the literature in individuals affected with MSH6-related conditions. This variant is not present in population databases (gnomAD no frequency). This sequence change replaces phenylalanine, which is neutral and non-polar, with tyrosine, which is neutral and polar, at codon 596 of the MSH6 protein (p.Phe596Tyr).

Genetic Services Laboratory, University of Chicago
Classification: Uncertain significance. Last evaluated: 2018-03-12. Review status: criteria provided, single submitter. Criteria: ACMG Guidelines, 2015. Collection method: clinical testing. Allele origin: germline. Affected: no.

NM_000179.3(MSH6):c.1787T>A (p.Phe596Tyr)

Gene: MSH6 (mutS homolog 6; plus strand). Cytogenetic location: 2p16.3.
Variant type: single nucleotide variant.
Coding change: c.1787T>A on transcript NM_000179.3 (MANE Select); coding-DNA position 1787, T replaced by A.
Protein change: p.Phe596Tyr; replaces phenylalanine 596 with tyrosine.
Molecular consequence: missense variant.
Genome position (GRCh38, 1-based): chr2:47,799,770, T>A. VCF-style: chr2-47799770-T-A. GRCh37 (hg19) VCF-style: chr2-48026909-T-A.
Other names: c.1397T>A, p.Phe466Tyr (NM_001281492.2); c.881T>A, p.Phe294Tyr (NM_001281493.2, NM_001281494.2); short protein forms F596Y, F294Y, F466Y.
Identifiers: ClinVar variation 479879 (VCV000479879.19), dbSNP rs1064793774, ClinGen allele CA346749269.